The following is an entry in ClinVar:

NM_001148.6(ANK2):c.749C>T (p.Thr250Ile)

Gene: ANK2 (ankyrin 2; plus strand). Cytogenetic location: 4q26.
Variant type: single nucleotide variant.
Coding change: c.749C>T on transcript NM_001148.6 (MANE Select); coding-DNA position 749, C replaced by T.
Protein change: p.Thr250Ile; replaces threonine 250 with isoleucine.
Molecular consequence: missense variant.
Genome position (GRCh38, 1-based): chr4:113,240,540, C>T. VCF-style: chr4-113240540-C-T. GRCh37 (hg19) VCF-style: chr4-114161696-C-T.
Other names: c.686C>T, p.Thr229Ile (NM_001127493.3, NM_001354239.2, NM_001354243.2 and 14 more transcripts); c.749C>T, p.Thr250Ile (NM_001354225.2, NM_001354228.2, NM_001354232.2 and 9 more transcripts); c.794C>T, p.Thr265Ile (NM_001354230.2, NM_001354231.2, NM_001354237.2 and 5 more transcripts); c.662C>T, p.Thr221Ile (NM_001354249.2, NM_001354266.2, NM_001354267.2 and 16 more transcripts); c.737C>T, p.Thr246Ile (NM_001354269.3, NM_001386186.2, NM_001386148.2); c.707C>T, p.Thr236Ile (NM_001386160.1, NM_001354261.2, NM_001386147.1); c.800C>T, p.Thr267Ile (NM_001386174.1); c.776C>T, p.Thr259Ile (NM_001386175.1); and 1 more; short protein forms T221I, T229I, T236I, T238I, T246I, T250I, T259I, T265I.
Identifiers: ClinVar variation 4082956 (VCV004082956.1).

ClinVar aggregate classification (germline): Uncertain significance (1 of 4 stars; one submission).

Submission:

GeneDx
Classification: Uncertain significance. Last evaluated: 2025-03-09. Review status: criteria provided, single submitter. Criteria: GeneDx Variant Classification Process June 2021. Collection method: clinical testing. Allele origin: germline. Affected: yes.
Comment: Not observed at significant frequency in large population cohorts (gnomAD); In silico analysis supports that this missense variant has a deleterious effect on protein structure/function; Has not been previously published as pathogenic or benign to our knowledge